The following is an entry in ClinVar:

ClinVar aggregate classification (germline): Uncertain significance. Review status: criteria provided, multiple submitters, no conflicts (2 of 4 stars). 3 submissions from 3 submitters: Uncertain significance (3). Last evaluated 2025-10-09.

Conditions:
Progressive microcephaly-seizures-cortical blindness-developmental delay syndrome. Also called: Seizures, cortical blindness, and microcephaly syndrome. Identifiers: Orphanet 477814, MedGen C5567650, MONDO:0014714, OMIM 616632.
Autosomal dominant nonsyndromic hearing loss 1. Also called: KONIGSMARK SYNDROME; DEAFNESS, AUTOSOMAL DOMINANT 1, WITH OR WITHOUT THROMBOCYTOPENIA. Identifiers: Orphanet 90635, MedGen C1852282, MONDO:0007424, OMIM 124900.

Allele frequency attached by ClinVar (database versions not stated): ExAC 0.00001; gnomAD 0.00001; gnomAD exomes 0.00002; TOPMed 0.00002.
gnomAD v4.1: 6 of 1,613,554 alleles (0.00037%); highest among the groups gnomAD compares: Admixed American, 0.005%; no homozygotes.

Submissions (3):

Labcorp Genetics (formerly Invitae), Labcorp
Classification: Uncertain significance for Progressive microcephaly-seizures-cortical blindness-developmental delay syndrome; Autosomal dominant nonsyndromic hearing loss 1. Last evaluated: 2025-10-09. Review status: criteria provided, single submitter. Criteria: Invitae Variant Classification Sherloc (09022015). Collection method: clinical testing. Allele origin: germline.
Comment: This sequence change replaces glutamic acid, which is acidic and polar, with glycine, which is neutral and non-polar, at codon 115 of the DIAPH1 protein (p.Glu115Gly). This variant is present in population databases (rs762848470, gnomAD 0.01%). This variant has not been reported in the literature in individuals affected with DIAPH1-related conditions. ClinVar contains an entry for this variant (Variation ID: 1214859). Experimental studies and prediction algorithms are not available or were not evaluated, and the functional significance of this variant is currently unknown. In summary, the available evidence is currently insufficient to determine the role of this variant in disease. Therefore, it has been classified as a Variant of Uncertain Significance.

Blueprint Genetics
Classification: Uncertain significance. Last evaluated: 2023-03-22. Review status: criteria provided, single submitter. Criteria: ACMG Guidelines, 2015. Collection method: clinical testing. Allele origin: germline.

GeneDx
Classification: Uncertain significance. Last evaluated: 2020-10-26. Review status: criteria provided, single submitter. Criteria: GeneDx Variant Classification Process June 2021. Collection method: clinical testing. Allele origin: germline. Affected: yes.
Comment: In silico analysis supports that this missense variant has a deleterious effect on protein structure/function; Has not been previously published as pathogenic or benign to our knowledge

NM_005219.5(DIAPH1):c.344A>G (p.Glu115Gly)

Gene: DIAPH1 (diaphanous related formin 1; minus strand). Cytogenetic location: 5q31.3.
Variant type: single nucleotide variant.
Coding change: c.344A>G on transcript NM_005219.5 (MANE Select); coding-DNA position 344, A replaced by G.
Protein change: p.Glu115Gly; replaces glutamic acid 115 with glycine.
Molecular consequence: missense variant.
Genome position (GRCh38, 1-based): chr5:141,584,182, T>C on the plus strand (A>G on the coding strand, the complement: DIAPH1 is on the minus strand). VCF-style: chr5-141584182-T-C. GRCh37 (hg19) VCF-style: chr5-140963749-T-C.
Other names: c.317A>G, p.Glu106Gly (NM_001079812.3); c.344A>G, p.Glu115Gly (NM_001314007.2); short protein forms E106G, E115G.
Identifiers: ClinVar variation 1214859 (VCV001214859.12), dbSNP rs762848470, ClinGen allele CA3479622.